The following is an entry in ClinVar:

NM_002755.4(MAP2K1):c.1068_1068+1delinsCA

Genes: MAP2K1 (mitogen-activated protein kinase kinase 1; plus strand), SNAPC5 (small nuclear RNA activating complex polypeptide 5; minus strand). Cytogenetic location: 15q22.31.
Variant type: Indel.
Coding change: c.1068_1068+1delinsCA on transcript NM_002755.4 (MANE Select); coding-DNA position 1068 through the canonical splice donor site of the intron after coding-DNA position 1068, GG replaced by CA.
Molecular consequence: splice donor variant. On other transcripts: 3 prime UTR variant (1), non-coding transcript variant (1).
Genome position (GRCh38, 1-based): chr15:66,489,763-66,489,764, GG replaced by CA. VCF-style: chr15-66489763-GG-CA. GRCh37 (hg19) VCF-style: chr15-66782101-GG-CA.
Other names: c.*975_*976delinsTG (NM_006049.4); c.924_924+1delinsCA (NM_001411065.1).
Identifiers: ClinVar variation 2571919 (VCV002571919.1), dbSNP rs2545107881, ClinGen allele CA2580613855.

ClinVar aggregate classification (germline): Uncertain significance (1 of 4 stars; one submission).

Submission:

GeneDx
Classification: Uncertain significance. Last evaluated: 2023-01-09. Review status: criteria provided, single submitter. Criteria: GeneDx Variant Classification Process June 2021. Collection method: clinical testing. Allele origin: germline. Affected: yes.
Comment: Not observed at significant frequency in large population cohorts (gnomAD); Canonical splice site variant in a gene or region of a gene for which loss of function is not a well-established mechanism of disease; Has not been previously published as pathogenic or benign to our knowledge